The following is an entry in ClinVar:

ClinVar aggregate classification (germline): Pathogenic. Review status: criteria provided, single submitter (1 of 4 stars). 2 submissions from 2 submitters: Pathogenic (1). 1 of the submissions does not count toward it. Last evaluated 2023-09-13.

Conditions:
Familial long QT syndrome (RWS). Also called: Congenital long QT syndrome; Romano-Ward syndrome; VENTRICULAR FIBRILLATION WITH PROLONGED QT INTERVAL. Identifiers: Orphanet 768, MedGen C1141890, MONDO:0019171.
Long QT syndrome (LQTS). Identifiers: MedGen C0023976, MeSH D008133, MONDO:0002442. Disease mechanism: loss of function. Inheritance: Various modes of inheritance.

Submissions (2):

Labcorp Genetics (formerly Invitae), Labcorp
Classification: Pathogenic for Long QT syndrome. Last evaluated: 2023-09-13. Review status: criteria provided, single submitter. Criteria: Invitae Variant Classification Sherloc (09022015). Collection method: clinical testing. Allele origin: germline.
Comment: This variant disrupts the p.Trp304 amino acid residue in KCNQ1. Other variant(s) that disrupt this residue have been determined to be pathogenic (PMID: 19017345, 32383558). This suggests that this residue is clinically significant, and that variants that disrupt this residue are likely to be disease-causing. For these reasons, this variant has been classified as Pathogenic. Advanced modeling of protein sequence and biophysical properties (such as structural, functional, and spatial information, amino acid conservation, physicochemical variation, residue mobility, and thermodynamic stability) performed at Invitae indicates that this missense variant is expected to disrupt KCNQ1 protein function. ClinVar contains an entry for this variant (Variation ID: 53122). This missense change has been observed in individuals with long QT syndrome (PMID: 22949429, 27379800, 32470535). This variant is not present in population databases (gnomAD no frequency). This sequence change replaces tryptophan, which is neutral and slightly polar, with arginine, which is basic and polar, at codon 304 of the KCNQ1 protein (p.Trp304Arg).

Cardiovascular Biomedical Research Unit, Royal Brompton & Harefield NHS Foundation Trust
No classification provided. Condition: Familial long QT syndrome. Review status: no classification provided. Collection method: literature only. Allele origin: germline. Not counted in ClinVar's aggregate classification.
Comment: This variant has been reported as associated with Long QT syndrome in the following publications (PMID:15840476;PMID:19841300). This is a literature report, and does not necessarily reflect the clinical interpretation of the Imperial College / Royal Brompton Cardiovascular Genetics laboratory.

Literature cited by the submitters: PubMed 19017345 (cited by Labcorp Genetics (formerly Invitae), Labcorp); PubMed 32383558 (cited by Labcorp Genetics (formerly Invitae), Labcorp); PubMed 22949429 (cited by Labcorp Genetics (formerly Invitae), Labcorp); PubMed 27379800 (cited by Labcorp Genetics (formerly Invitae), Labcorp); PubMed 32470535 (cited by Labcorp Genetics (formerly Invitae), Labcorp); PubMed 15840476 (cited by Cardiovascular Biomedical Research Unit, Royal Brompton & Harefield NHS Foundation Trust); PubMed 19841300 (cited by Cardiovascular Biomedical Research Unit, Royal Brompton & Harefield NHS Foundation Trust); PubMed 22581653 (cited by Cardiovascular Biomedical Research Unit, Royal Brompton & Harefield NHS Foundation Trust).

NM_000218.3(KCNQ1):c.910T>C (p.Trp304Arg)

Gene: KCNQ1 (potassium voltage-gated channel subfamily Q member 1; plus strand). Cytogenetic location: 11p15.5.
Variant type: single nucleotide variant.
Coding change: c.910T>C on transcript NM_000218.3 (MANE Select); coding-DNA position 910, T replaced by C.
Protein change: p.Trp304Arg; replaces tryptophan 304 with arginine.
Molecular consequence: missense variant.
Genome position (GRCh38, 1-based): chr11:2,572,975, T>C. VCF-style: chr11-2572975-T-C. GRCh37 (hg19) VCF-style: chr11-2594205-T-C.
Other names: c.910T>C (LRG_287t1); c.910T>C, p.Trp304Arg (NM_001406836.1); c.640T>C, p.Trp214Arg (NM_001406837.1); c.529T>C, p.Trp177Arg (NM_181798.2); short protein forms W304R, W177R, W214R.
Identifiers: ClinVar variation 53122 (VCV000053122.6), dbSNP rs199473466, ClinGen allele CA008598.
Genomic context (GRCh38, chr11:2,572,975, plus strand): 5'-GAGAAGGACGCGGTGAACGAGTCAGGCCGCGTGGAGTTCGGCAGCTACGCAGATGCGCTG[T>C]GGTGGGGGGTGGTAAGTCGGAAACTTCCAGGCATGGGGACAGGGGCAGCTCAGGCTGAGG-3'
Protein context (NP_000209.2, residues 294-314): VEFGSYADAL[Trp304Arg]WGVVTVTTIG